The following is an entry in ClinVar:

NM_001457.4(FLNB):c.2632G>A (p.Ala878Thr)

Gene: FLNB (filamin B; plus strand). Cytogenetic location: 3p14.3.
Variant type: single nucleotide variant.
Coding change: c.2632G>A on transcript NM_001457.4 (MANE Select); coding-DNA position 2632, G replaced by A.
Protein change: p.Ala878Thr; replaces alanine 878 with threonine.
Molecular consequence: missense variant.
Genome position (GRCh38, 1-based): chr3:58,112,205, G>A. VCF-style: chr3-58112205-G-A. GRCh37 (hg19) VCF-style: chr3-58097932-G-A.
Other names: c.2632G>A, p.Ala878Thr (NM_001164317.2, NM_001164318.2, NM_001164319.2); short protein forms A878T.
Identifiers: ClinVar variation 4801695 (VCV004801695.1).

ClinVar aggregate classification (germline): Uncertain significance (1 of 4 stars; one submission).

Submission:

Labcorp Genetics (formerly Invitae), Labcorp
Classification: Uncertain significance. Last evaluated: 2025-07-09. Review status: criteria provided, single submitter. Criteria: Invitae Variant Classification Sherloc (09022015). Collection method: clinical testing. Allele origin: germline.
Comment: This sequence change replaces alanine, which is neutral and non-polar, with threonine, which is neutral and polar, at codon 878 of the FLNB protein (p.Ala878Thr). This variant is present in population databases (rs778158822, gnomAD 0.002%). This variant has not been reported in the literature in individuals affected with FLNB-related conditions. Invitae Evidence Modeling of protein sequence and biophysical properties (such as structural, functional, and spatial information, amino acid conservation, physicochemical variation, residue mobility, and thermodynamic stability) indicates that this missense variant is not expected to disrupt FLNB protein function with a negative predictive value of 95%. In summary, the available evidence is currently insufficient to determine the role of this variant in disease. Therefore, it has been classified as a Variant of Uncertain Significance.